The following is an entry in ClinVar:

NM_022124.6(CDH23):c.6646G>A (p.Ala2216Thr)

Gene: CDH23 (cadherin related 23; plus strand). Cytogenetic location: 10q22.1.
Variant type: single nucleotide variant.
Coding change: c.6646G>A on transcript NM_022124.6 (MANE Select); coding-DNA position 6646, G replaced by A.
Protein change: p.Ala2216Thr; replaces alanine 2216 with threonine.
Molecular consequence: missense variant.
Genome position (GRCh38, 1-based): chr10:71,793,574, G>A. VCF-style: chr10-71793574-G-A. GRCh37 (hg19) VCF-style: chr10-73553331-G-A.
Other names: short protein forms A2216T.
Identifiers: ClinVar variation 1444359 (VCV001444359.5), dbSNP rs551039321, ClinGen allele CA5546138.

ClinVar aggregate classification (germline): Uncertain significance (1 of 4 stars; one submission).

Allele frequency attached by ClinVar (database versions not stated): gnomAD exomes below 0.00001; ExAC 0.00001; gnomAD 0.00001; 1000 Genomes Project 30x 0.00016; 1000 Genomes Project 0.00020.
gnomAD v4.1: 5 of 1,612,546 alleles (0.00031%); highest among the groups gnomAD compares: South Asian, 0.0055%; no homozygotes.

Submission:

Labcorp Genetics (formerly Invitae), Labcorp
Classification: Uncertain significance. Last evaluated: 2022-02-04. Review status: criteria provided, single submitter. Criteria: Invitae Variant Classification Sherloc (09022015). Collection method: clinical testing. Allele origin: germline.
Comment: This sequence change replaces alanine, which is neutral and non-polar, with threonine, which is neutral and polar, at codon 2216 of the CDH23 protein (p.Ala2216Thr). The frequency data for this variant in the population databases is considered unreliable, as metrics indicate poor data quality at this position in the gnomAD database. This variant has not been reported in the literature in individuals affected with CDH23-related conditions. Algorithms developed to predict the effect of missense changes on protein structure and function are either unavailable or do not agree on the potential impact of this missense change (SIFT: "Deleterious"; PolyPhen-2: "Not Available"; Align-GVGD: "Class C55"). In summary, the available evidence is currently insufficient to determine the role of this variant in disease. Therefore, it has been classified as a Variant of Uncertain Significance.